The following is an entry in ClinVar:

NM_006939.4(SOS2):c.3080G>A (p.Arg1027Lys)

Gene: SOS2 (SOS Ras/Rho guanine nucleotide exchange factor 2; minus strand). Cytogenetic location: 14q21.3.
Variant type: single nucleotide variant.
Coding change: c.3080G>A on transcript NM_006939.4 (MANE Select); coding-DNA position 3080, G replaced by A.
Protein change: p.Arg1027Lys; replaces arginine 1027 with lysine.
Molecular consequence: missense variant.
Genome position (GRCh38, 1-based): chr14:50,130,758, C>T on the plus strand (G>A on the coding strand, the complement: SOS2 is on the minus strand). VCF-style: chr14-50130758-C-T. GRCh37 (hg19) VCF-style: chr14-50597476-C-T.
Other names: c.2981G>A, p.Arg994Lys (NM_001411020.1); short protein forms R994K, R1027K.
Identifiers: ClinVar variation 2012398 (VCV002012398.4), dbSNP rs1883842370, ClinGen allele CA389641034.

ClinVar aggregate classification (germline): Uncertain significance (1 of 4 stars; one submission).

Conditions:
Noonan syndrome 9 (NS9). Identifiers: Orphanet 648, MedGen C4225282, MONDO:0014691, OMIM 616559.

Submission:

Labcorp Genetics (formerly Invitae), Labcorp
Classification: Uncertain significance for Noonan syndrome 9. Last evaluated: 2022-06-30. Review status: criteria provided, single submitter. Criteria: Invitae Variant Classification Sherloc (09022015). Collection method: clinical testing. Allele origin: germline.
Comment: This sequence change replaces arginine, which is basic and polar, with lysine, which is basic and polar, at codon 1027 of the SOS2 protein (p.Arg1027Lys). This variant is not present in population databases (gnomAD no frequency). This variant has not been reported in the literature in individuals affected with SOS2-related conditions. Algorithms developed to predict the effect of missense changes on protein structure and function (SIFT, PolyPhen-2, Align-GVGD) all suggest that this variant is likely to be tolerated. Algorithms developed to predict the effect of sequence changes on RNA splicing suggest that this variant may disrupt the consensus splice site. In summary, the available evidence is currently insufficient to determine the role of this variant in disease. Therefore, it has been classified as a Variant of Uncertain Significance.